The following is an entry in ClinVar:

NM_138694.4(PKHD1):c.4915G>T (p.Glu1639Ter)

Genes: PKHD1 (PKHD1 ciliary IPT domain containing fibrocystin/polyductin; minus strand), LOC126859690 (MED14-independent group 3 enhancer GRCh37_chr6:51888848-51890047; plus strand). Cytogenetic location: 6p12.2.
Variant type: single nucleotide variant.
Coding change: c.4915G>T on transcript NM_138694.4 (MANE Select); coding-DNA position 4915, G replaced by T.
Protein change: p.Glu1639Ter; replaces glutamic acid 1639 with a stop codon.
Molecular consequence: nonsense.
Genome position (GRCh38, 1-based): chr6:52,024,895, C>A on the plus strand (G>T on the coding strand, the complement: PKHD1 is on the minus strand). VCF-style: chr6-52024895-C-A. GRCh37 (hg19) VCF-style: chr6-51889693-C-A.
Other names: c.4915G>T, p.Glu1639Ter (NM_170724.3); short protein forms E1639*.
Identifiers: ClinVar variation 4816681 (VCV004816681.1).

ClinVar aggregate classification (germline): Likely pathogenic (1 of 4 stars; one submission).

Conditions:
Autosomal recessive polycystic kidney disease (ARPKD). Also called: AR polycystic kidney disease. Identifiers: Orphanet 731, Orphanet 8378, MedGen C0085548, MeSH D017044, MONDO:0009889.

Submission:

Natera, Inc.
Classification: Likely pathogenic for Autosomal recessive polycystic kidney disease. Last evaluated: 2025-07-08. Review status: criteria provided, single submitter. Criteria: Natera Variant Classification Schema (03/2026). Collection method: clinical testing. Allele origin: germline.
Comment: The c.4915G>T variant in PKHD1 is a nonsense variant predicted to introduce a stop codon at amino acid 1639. This variant is expected to result in nonsense mediated decay, truncation, or a dysfunctional protein product. This variant is rare in the general population with a frequency below the threshold expected for the associated phenotype(s). Given the available evidence, this variant is classified as Likely Pathogenic.